The following is an entry in ClinVar:

ClinVar aggregate classification (germline): Uncertain significance. Review status: criteria provided, multiple submitters, no conflicts (2 of 4 stars). 2 submissions from 2 submitters: Uncertain significance (2). Last evaluated 2026-03-05.

Conditions:
Sitosterolemia 2. Identifiers: MedGen C5231453, MONDO:0020748, OMIM 618666.
Sitosterolemia (STSL). Also called: PHYTOSTEROLEMIA. Identifiers: Orphanet 2882, MedGen C0342907, MONDO:0008863.

Allele frequency attached by ClinVar (database versions not stated): ExAC 0.00003.
gnomAD v4.1: 4 of 1,587,750 alleles (0.00025%); highest among the groups gnomAD compares: East Asian, 0.0045%; no homozygotes.

Submissions (2):

Department of Cardiology, Mackay Memorial Hospital
Classification: Uncertain significance for Sitosterolemia. Last evaluated: 2026-03-05. Review status: criteria provided, single submitter. Criteria: ACMG Guidelines, 2015. Collection method: clinical testing. Allele origin: germline. Affected: yes.
Comment: The ABCG5 c.438G>C (p.Gly146Asp) (Accession: VCV002690818.2) variant is a missense alteration that replaces glycine with aspartic acid at codon 146, resulting in a substantial change in amino acid physicochemical properties. Although this substitution may potentially affect ABCG5 protein structure or function, currently available evidence is insufficient to establish a definitive association with ABCG5-related disease. In particular, there is limited clinical and segregation evidence supporting pathogenicity, and no well-established functional studies have demonstrated a deleterious effect of this specific variant. Therefore, despite its potential biological relevance, the available genetic and functional evidence remains inadequate to determine its disease-causing role, and ABCG5 c.438G>C (p.Gly146Asp) is classified as a variant of uncertain significance (VUS).

Revvity Omics, Revvity
Classification: Uncertain significance for Sitosterolemia 2. Last evaluated: 2023-08-09. Review status: criteria provided, single submitter. Criteria: ACMG Guidelines, 2015. Collection method: clinical testing. Allele origin: germline.

Literature cited by the submitters: PubMed 34969652 (cited by Department of Cardiology, Mackay Memorial Hospital).

NM_022436.3(ABCG5):c.438G>C (p.Glu146Asp)

Gene: ABCG5 (ATP binding cassette subfamily G member 5; minus strand). Cytogenetic location: 2p21.
Variant type: single nucleotide variant.
Coding change: c.438G>C on transcript NM_022436.3 (MANE Select); coding-DNA position 438, G replaced by C.
Protein change: p.Glu146Asp; replaces glutamic acid 146 with aspartic acid.
Molecular consequence: missense variant.
Genome position (GRCh38, 1-based): chr2:43,831,832, C>G on the plus strand (G>C on the coding strand, the complement: ABCG5 is on the minus strand). VCF-style: chr2-43831832-C-G. GRCh37 (hg19) VCF-style: chr2-44058971-C-G.
Other names: short protein forms E146D.
Identifiers: ClinVar variation 2690818 (VCV002690818.3), dbSNP rs748096191, ClinGen allele CA1636676.
Genomic context (GRCh38, chr2:43,831,832, plus strand): 5'-CTTCTGGAAGGAGCCGGGATTGCCGCGGCGGATGGCCAGCAGCGCGGTGTAGTGCAGCGT[C>G]TCGCGCACGGTGAGGCTGCTCAGCAGGGTGTCGCTCTGCAGGAGACTCGGGCGTCAGTGT-3'
Protein context (NP_071881.1, residues 136-156): DTLLSSLTVR[Glu146Asp]TLHYTALLAI